The following is an entry in ClinVar:

ClinVar aggregate classification (germline): Conflicting classifications of pathogenicity. Review status: criteria provided, conflicting classifications (1 of 4 stars). 6 submissions from 6 submitters: Uncertain significance (1); Likely benign (5). Last evaluated 2025-11-10.

Conditions:
Familial cancer of breast. Also called: BREAST CANCER, FAMILIAL; hereditary breast carcinoma; Hereditary breast cancer. Identifiers: Orphanet 227535, MedGen C0346153, MONDO:0016419, OMIM 114480. Disease mechanism: loss of function.
Hereditary cancer-predisposing syndrome. Also called: Neoplastic Syndromes, Hereditary; Hereditary neoplastic syndrome; Tumor predisposition; Hereditary Cancer Syndrome. Identifiers: Orphanet 140162, MedGen C0027672, MeSH D009386, MONDO:0015356.
Fanconi anemia complementation group J. Also called: BRIP1-Related Fanconi Anemia. Identifiers: Orphanet 84, MedGen C1836860, MONDO:0012187, OMIM 609054.

Allele frequency attached by ClinVar (database versions not stated): gnomAD exomes below 0.00001; TOPMed below 0.00001; ExAC 0.00001.
gnomAD v4.1: 4 of 1,607,978 alleles (0.00025%); highest among the groups gnomAD compares: Middle Eastern, 0.034%; no homozygotes.

Submissions (6):

Labcorp Genetics (formerly Invitae), Labcorp
Classification: Likely benign for Familial cancer of breast; Fanconi anemia complementation group J. Last evaluated: 2025-11-10. Review status: criteria provided, single submitter. Criteria: Invitae Variant Classification Sherloc (09022015). Collection method: clinical testing. Allele origin: germline.

Women's Health and Genetics/Laboratory Corporation of America, LabCorp
Classification: Likely benign. Last evaluated: 2025-04-16. Review status: criteria provided, single submitter. Criteria: LabCorp Variant Classification Summary - May 2015. Collection method: clinical testing. Allele origin: germline.

Myriad Genetics, Inc.
Classification: Likely benign for Familial cancer of breast. Last evaluated: 2024-08-21. Review status: criteria provided, single submitter. Criteria: Myriad Autosomal Dominant, Autosomal Recessive and X-Linked Classification Criteria (2023). Collection method: clinical testing. Allele origin: unknown.
Comment: This variant is considered likely benign. This variant is intronic and is not expected to impact mRNA splicing.

GeneDx
Classification: Uncertain significance. Last evaluated: 2021-04-07. Review status: criteria provided, single submitter. Criteria: GeneDx Variant Classification Process June 2021. Collection method: clinical testing. Allele origin: germline. Affected: yes.
Comment: Not observed in large population cohorts (Lek et al., 2016); Has not been previously published as pathogenic or benign to our knowledge; In-silico analysis, which includes splice predictors and evolutionary conservation, is inconclusive as to whether the variant alters gene splicing. In the absence of RNA/functional studies, the actual effect of this sequence change is unknown.

Color Diagnostics, LLC DBA Color Health
Classification: Likely benign for Hereditary cancer-predisposing syndrome. Last evaluated: 2020-05-11. Review status: criteria provided, single submitter. Criteria: ACMG Guidelines, 2015. Collection method: clinical testing. Allele origin: germline.

Mendelics
Classification: Likely benign for Familial cancer of breast. Last evaluated: 2019-05-28. Review status: criteria provided, single submitter. Criteria: Mendelics Assertion Criteria 2017. Collection method: clinical testing. Allele origin: unknown.

NM_032043.3(BRIP1):c.380-6T>C

Gene: BRIP1 (BRCA1 interacting DNA helicase 1; minus strand). Cytogenetic location: 17q23.2.
Variant type: single nucleotide variant.
Coding change: c.380-6T>C on transcript NM_032043.3 (MANE Select); 6 bases into the intron before coding-DNA position 380, T replaced by C.
Molecular consequence: intron variant.
Genome position (GRCh38, 1-based): chr17:61,849,262, A>G on the plus strand (T>C on the coding strand, the complement: BRIP1 is on the minus strand). VCF-style: chr17-61849262-A-G. GRCh37 (hg19) VCF-style: chr17-59926623-A-G.
Identifiers: ClinVar variation 530366 (VCV000530366.24), dbSNP rs780921390, ClinGen allele CA8690938.